The following is an entry in ClinVar:

ClinVar aggregate classification (germline): Uncertain significance (1 of 4 stars; one submission).

Submission:

Labcorp Genetics (formerly Invitae), Labcorp
Classification: Uncertain significance. Last evaluated: 2022-08-09. Review status: criteria provided, single submitter. Criteria: Invitae Variant Classification Sherloc (09022015). Collection method: clinical testing. Allele origin: germline.
Comment: In summary, the available evidence is currently insufficient to determine the role of this variant in disease. Therefore, it has been classified as a Variant of Uncertain Significance. Algorithms developed to predict the effect of sequence changes on RNA splicing suggest that this variant may create or strengthen a splice site. This variant has not been reported in the literature in individuals affected with FOXRED1-related conditions. This variant is not present in population databases (gnomAD no frequency). This sequence change falls in intron 4 of the FOXRED1 gene. It does not directly change the encoded amino acid sequence of the FOXRED1 protein.

NM_017547.4(FOXRED1):c.537-7A>T

Gene: FOXRED1 (FAD dependent oxidoreductase domain containing 1; plus strand). Cytogenetic location: 11q24.2.
Variant type: single nucleotide variant.
Coding change: c.537-7A>T on transcript NM_017547.4 (MANE Select); 7 bases into the intron before coding-DNA position 537, A replaced by T.
Molecular consequence: intron variant.
Genome position (GRCh38, 1-based): chr11:126,274,920, A>T. VCF-style: chr11-126274920-A-T. GRCh37 (hg19) VCF-style: chr11-126144815-A-T.
Identifiers: ClinVar variation 2073424 (VCV002073424.4), dbSNP rs907424490, ClinGen allele CA230562348.